The following is an entry in ClinVar:

ClinVar aggregate classification (germline): Benign/Likely benign. Review status: criteria provided, multiple submitters, no conflicts (2 of 4 stars). 3 submissions from 3 submitters: Benign (1); Likely benign (2). Last evaluated 2026-05-01.

gnomAD v4.1: 918 of 1,598,454 alleles (0.057%); highest among the groups gnomAD compares: African/African-American, 1.1%; 20 homozygotes.

Submissions (3):

CeGaT Center for Human Genetics Tuebingen
Classification: Benign. Last evaluated: 2026-05-01. Review status: criteria provided, single submitter. Criteria: CeGaT Center For Human Genetics Tuebingen Variant Classification Criteria Version 2. Collection method: clinical testing. Allele origin: germline. Affected: yes. Observed: 1 variant allele.
Comment: CFHR4: BP4, BS1, BS2

Women's Health and Genetics/Laboratory Corporation of America, LabCorp
Classification: Likely benign. Last evaluated: 2026-01-28. Review status: criteria provided, single submitter. Criteria: LabCorp Variant Classification Summary - May 2015. Collection method: clinical testing. Allele origin: germline.
Comment: Variant summary: CFHR4 c.1039A>G (p.Ile347Val) results in a conservative amino acid change in the encoded protein sequence. Algorithms developed to predict the effect of missense changes on protein structure and function all suggest that this variant is likely to be tolerated. The variant allele was found at a frequency of 0.00081 in 241378 control chromosomes, predominantly at a frequency of 0.011 within the African or African-American subpopulation in the gnomAD database, including 2 homozygotes. The observed variant frequency within African or African-American control individuals in the gnomAD database exceeds the estimated maximal expected allele frequency for disease-causing variants in CFHR4. To our knowledge, no occurrence of c.1039A>G in individuals affected with CFHR4-related conditions and no experimental evidence demonstrating its impact on protein function have been reported. The following publication has been ascertained in the context of this evaluation (PMID: 29686068). ClinVar contains an entry for this variant (Variation ID: 4683989). Based on the evidence outlined above, the variant was classified as likely benign.

Mayo Clinic Laboratories, Mayo Clinic
Classification: Likely benign. Last evaluated: 2025-11-19. Review status: criteria provided, single submitter. Criteria: ACMG Guidelines, 2015. Collection method: clinical testing. Allele origin: germline. Observed: 11 variant alleles.
Comment: BS1, BP1, BP4

Literature cited by the submitters: PubMed 29686068 (cited by Women's Health and Genetics/Laboratory Corporation of America, LabCorp).

NM_001201550.3(CFHR4):c.1039A>G (p.Ile347Val)

Gene: CFHR4 (complement factor H related 4; plus strand). Cytogenetic location: 1q31.3.
Variant type: single nucleotide variant.
Coding change: c.1039A>G on transcript NM_001201550.3 (MANE Select); coding-DNA position 1039, A replaced by G.
Protein change: p.Ile347Val; replaces isoleucine 347 with valine.
Molecular consequence: missense variant.
Genome position (GRCh38, 1-based): chr1:196,912,781, A>G. VCF-style: chr1-196912781-A-G. GRCh37 (hg19) VCF-style: chr1-196881911-A-G.
Other names: p.Ile346Val; c.1036A>G, p.Ile346Val (NM_001201551.2); c.298A>G, p.Ile100Val (NM_006684.5); short protein forms I100V, I346V, I347V.
Identifiers: ClinVar variation 4683989 (VCV004683989.4).